The following is an entry in ClinVar:

NM_006846.4(SPINK5):c.679G>T (p.Glu227Ter)

Gene: SPINK5 (serine peptidase inhibitor Kazal type 5; plus strand). Cytogenetic location: 5q32.
Variant type: single nucleotide variant.
Coding change: c.679G>T on transcript NM_006846.4 (MANE Select); coding-DNA position 679, G replaced by T.
Protein change: p.Glu227Ter; replaces glutamic acid 227 with a stop codon.
Molecular consequence: nonsense.
Genome position (GRCh38, 1-based): chr5:148,094,366, G>T. VCF-style: chr5-148094366-G-T. GRCh37 (hg19) VCF-style: chr5-147473929-G-T.
Other names: c.679G>T, p.Glu227Ter (NM_001127698.2, NM_001127699.2); short protein forms E227*.
Identifiers: ClinVar variation 1423328 (VCV001423328.6), dbSNP rs1480221716, ClinGen allele CA361891087.
Genomic context (GRCh38, chr5:148,094,366, plus strand): 5'-TATCCTGAAATGAAATGAAGTAAAATAAATATAATTGTCTTTTCAAAGGATTTTTGCAAG[G>T]AATATGAAAAACAAGTGAGAAATGGAAGGCTTTTTTGTACACGGGAGAGTGATCCAGTCC-3'

ClinVar aggregate classification (germline): Pathogenic (1 of 4 stars; one submission).

Conditions:
Ichthyosis linearis circumflexa. Identifiers: MedGen C0265962, MONDO:0043106, HP:0025810.

Submission:

Labcorp Genetics (formerly Invitae), Labcorp
Classification: Pathogenic for Ichthyosis linearis circumflexa. Last evaluated: 2023-03-20. Review status: criteria provided, single submitter. Criteria: Invitae Variant Classification Sherloc (09022015). Collection method: clinical testing. Allele origin: germline.
Comment: This variant is not present in population databases (gnomAD no frequency). For these reasons, this variant has been classified as Pathogenic. ClinVar contains an entry for this variant (Variation ID: 1423328). This variant has not been reported in the literature in individuals affected with SPINK5-related conditions. This sequence change creates a premature translational stop signal (p.Glu227*) in the SPINK5 gene. It is expected to result in an absent or disrupted protein product. Loss-of-function variants in SPINK5 are known to be pathogenic (PMID: 11511292, 11841556).

Literature cited by the submitters: PubMed 11511292; PubMed 11841556.